The following is an entry in ClinVar:

NM_207361.6(FREM2):c.349C>T (p.Gln117Ter)

Gene: FREM2 (FRAS1 related extracellular matrix 2; plus strand). Cytogenetic location: 13q13.3.
Variant type: single nucleotide variant.
Coding change: c.349C>T on transcript NM_207361.6 (MANE Select); coding-DNA position 349, C replaced by T.
Protein change: p.Gln117Ter; replaces glutamine 117 with a stop codon.
Molecular consequence: nonsense.
Genome position (GRCh38, 1-based): chr13:38,687,693, C>T. VCF-style: chr13-38687693-C-T. GRCh37 (hg19) VCF-style: chr13-39261830-C-T.
Other names: short protein forms Q117*.
Identifiers: ClinVar variation 2762927 (VCV002762927.3), dbSNP rs2541348375, ClinGen allele CA387882045.
Genomic context (GRCh38, chr13:38,687,693, plus strand): 5'-TTGCAGGTGCAGCCCGGGGACCGCTGCGCGGTTTCGGTACTAGACAACGACGCACTGGCC[C>T]AGCGACCGGGCCGCCTGAGTCCCAAGCGCTTCCCGTGCGACTTTGGCCCTGGCGAGGTGC-3'

ClinVar aggregate classification (germline): Pathogenic (1 of 4 stars; one submission).

Submission:

Labcorp Genetics (formerly Invitae), Labcorp
Classification: Pathogenic. Last evaluated: 2023-09-23. Review status: criteria provided, single submitter. Criteria: Invitae Variant Classification Sherloc (09022015). Collection method: clinical testing. Allele origin: germline.
Comment: This sequence change creates a premature translational stop signal (p.Gln117*) in the FREM2 gene. It is expected to result in an absent or disrupted protein product. Loss-of-function variants in FREM2 are known to be pathogenic (PMID: 18203166, 26552811). This variant is not present in population databases (gnomAD no frequency). This variant has not been reported in the literature in individuals affected with FREM2-related conditions. For these reasons, this variant has been classified as Pathogenic.

Literature cited by the submitters: PubMed 18203166; PubMed 26552811.